The following is an entry in ClinVar:

ClinVar aggregate classification (germline): Pathogenic (1 of 4 stars; one submission).

Conditions:
Hereditary cancer-predisposing syndrome. Also called: Neoplastic Syndromes, Hereditary; Hereditary neoplastic syndrome; Tumor predisposition; Hereditary Cancer Syndrome. Identifiers: Orphanet 140162, MedGen C0027672, MeSH D009386, MONDO:0015356.

Submission:

Ambry Genetics
Classification: Pathogenic for Hereditary cancer-predisposing syndrome. Last evaluated: 2017-11-06. Review status: criteria provided, single submitter. Criteria: Ambry Variant Classification Scheme 2023. Collection method: clinical testing. Allele origin: germline.
Comment: The p.*315Wext*41 pathogenic mutation (also known as c.945A>G), located in coding exon 3 of the PHOX2B gene, results from an A to G substitution at nucleotide position 945, which is the last nucleotide of the PHOX2B gene. The stop codon at position 315 is replaced by tryptophan, resulting in an elongation of the protein by 41 amino acids. This alteration, as well as two other alterations (c.945A>T, c.945A>C), which also change the stop codon and elongate the protein by 41 amino acids (p.*315Cext*41), have been reported in individuals with congenital central hypoventilation syndrome (Weese-Mayer DE et al. Pediatr. Pulmonol., 2009 Jun;44:521-35; Szczapa T et al. J Perinatol, 2013 Nov;33:905-7; Trochet D et al. Am. J. Hum. Genet., 2005 Mar;76:421-6). In addition to the clinical data presented in the literature, this alteration is expected to result in abnormal protein production and is thus interpreted as a disease-causing mutation.

Literature cited by the submitters: PubMed 15657873; PubMed 19058226; PubMed 19422034; PubMed 24169930.

NM_003924.4(PHOX2B):c.945A>G (p.Ter315Trp)

Gene: PHOX2B (paired like homeobox 2B; minus strand). Cytogenetic location: 4p13.
Variant type: single nucleotide variant.
Coding change: c.945A>G on transcript NM_003924.4 (MANE Select); coding-DNA position 945, A replaced by G.
Protein change: p.Ter315Trp.
Molecular consequence: stop lost.
Genome position (GRCh38, 1-based): chr4:41,745,807, T>C on the plus strand (A>G on the coding strand, the complement: PHOX2B is on the minus strand). VCF-style: chr4-41745807-T-C. GRCh37 (hg19) VCF-style: chr4-41747824-T-C.
Other names: *315W.
Identifiers: ClinVar variation 521682 (VCV000521682.4), dbSNP rs1553897738, ClinGen allele CA356736594.